The following is an entry in ClinVar:

ClinVar aggregate classification (germline): Pathogenic. Review status: criteria provided, multiple submitters, no conflicts (2 of 4 stars). 2 submissions from 2 submitters: Pathogenic (2). Last evaluated 2025-11-18.

Conditions:
Hereditary cancer-predisposing syndrome. Also called: Tumor predisposition; Hereditary neoplastic syndrome; Hereditary Cancer Syndrome; Neoplastic Syndromes, Hereditary. Identifiers: Orphanet 140162, MedGen C0027672, MeSH D009386, MONDO:0015356.
Bloom syndrome (BLM). Also called: Bloom-Torre-Machacek syndrome. Identifiers: Orphanet 125, MedGen C0005859, MONDO:0008876, OMIM 210900.

Submissions (2):

Labcorp Genetics (formerly Invitae), Labcorp
Classification: Pathogenic for Bloom syndrome. Last evaluated: 2025-11-18. Review status: criteria provided, single submitter. Criteria: Invitae Variant Classification Sherloc (09022015). Collection method: clinical testing. Allele origin: germline.
Comment: This sequence change creates a premature translational stop signal (p.Asp133Ilefs*7) in the BLM gene. It is expected to result in an absent or disrupted protein product. Loss-of-function variants in BLM are known to be pathogenic (PMID: 17407155). This variant is not present in population databases (gnomAD no frequency). This variant has not been reported in the literature in individuals affected with BLM-related conditions. ClinVar contains an entry for this variant (Variation ID: 3224676). For these reasons, this variant has been classified as Pathogenic.

Ambry Genetics
Classification: Pathogenic for Hereditary cancer-predisposing syndrome. Last evaluated: 2023-11-30. Review status: criteria provided, single submitter. Criteria: Ambry Variant Classification Scheme 2023. Collection method: clinical testing. Allele origin: germline.
Comment: The c.397delG pathogenic mutation, located in coding exon 2 of the BLM gene, results from a deletion of one nucleotide at nucleotide position 397, causing a translational frameshift with a predicted alternate stop codon (p.D133Ifs*7). This alteration is expected to result in loss of function by premature protein truncation or nonsense-mediated mRNA decay. As such, this alteration is interpreted as a disease-causing mutation.

Literature cited by the submitters: PubMed 17407155 (cited by Labcorp Genetics (formerly Invitae), Labcorp).

NM_000057.4(BLM):c.397del (p.Asp133fs)

Gene: BLM (BLM RecQ like helicase; plus strand). Cytogenetic location: 15q26.1.
Variant type: Deletion.
Coding change: c.397del on transcript NM_000057.4 (MANE Select); coding-DNA position 397, one base deleted (G; older notation c.397delG).
Protein change: p.Asp133fs; shifts the reading frame from aspartic acid 133.
Molecular consequence: frameshift variant. On other transcripts: 5 prime UTR variant (1).
Genome position (GRCh38, 1-based): chr15:90,749,665, G deleted; the last of 3 consecutive G bases (chr15:90,749,663-90,749,665); deleting any one gives the same sequence. VCF-style (leftmost placement, unchanged base first): chr15-90749662-CG-C. GRCh37 (hg19) VCF-style: chr15-91292892-CG-C.
Other names: c.397del, p.Asp133fs (NM_001287246.2, NM_001287247.2); c.-895del (NM_001287248.2); short protein forms D133fs.
Identifiers: ClinVar variation 3224676 (VCV003224676.3), dbSNP rs2151147279, ClinGen allele CA2825002312.